The following is an entry in ClinVar:

ClinVar aggregate classification (germline): Uncertain significance (1 of 4 stars; one submission).

Conditions:
Cardiovascular phenotype. Identifiers: MedGen CN230736.

Submission:

Ambry Genetics
Classification: Uncertain significance for Cardiovascular phenotype. Last evaluated: 2023-08-16. Review status: criteria provided, single submitter. Criteria: Ambry Variant Classification Scheme 2023. Collection method: clinical testing. Allele origin: germline.
Comment: The c.5108_5109ins21 variant (also known as p.S1709_F1710insTYIIIST), located in coding exon 27 of the SCN10A gene. This variant results from an in-frame insertion of 21 nucleotides at positions 5108 to 5109. This results in the insertion of 7 amino acids between between codons 1709 and 1710. This amino acid position is well conserved in available vertebrate species. Since supporting evidence is limited at this time, the clinical significance of this alteration remains unclear.

NM_006514.4(SCN10A):c.5108_5109insAACCTACATCATCATCTCCAC (p.Ser1709_Phe1710insThrThrTyrIleIleIleSer)

Gene: SCN10A (sodium voltage-gated channel alpha subunit 10; minus strand). Cytogenetic location: 3p22.2.
Variant type: Insertion.
Coding change: c.5108_5109insAACCTACATCATCATCTCCAC on transcript NM_006514.4 (MANE Select); coding-DNA positions 5108 to 5109, AACCTACATCATCATCTCCAC inserted.
Protein change: p.Ser1709_Phe1710insThrThrTyrIleIleIleSer.
Molecular consequence: inframe insertion.
Genome position: GRCh38 VCF-style: chr3-38698111-G-GGTGGAGATGATGATGTAGGTT. GRCh37 (hg19) VCF-style: chr3-38739602-G-GGTGGAGATGATGATGTAGGTT.
Other names: c.5105_5106insAACCTACATCATCATCTCCAC, p.Ser1708_Phe1709insThrThrTyrIleIleIleSer (NM_001293306.2); c.4814_4815insAACCTACATCATCATCTCCAC, p.Ser1611_Phe1612insThrThrTyrIleIleIleSer (NM_001293307.2).
Identifiers: ClinVar variation 1745376 (VCV001745376.3), dbSNP rs2470552979, ClinGen allele CA2580069774.